The following is an entry in ClinVar:

NM_012310.5(KIF4A):c.670A>C (p.Lys224Gln)

Gene: KIF4A (kinesin family member 4A; plus strand). Cytogenetic location: Xq13.1.
Variant type: single nucleotide variant.
Coding change: c.670A>C on transcript NM_012310.5 (MANE Select); coding-DNA position 670, A replaced by C.
Protein change: p.Lys224Gln; replaces lysine 224 with glutamine.
Molecular consequence: missense variant.
Genome position (GRCh38, 1-based): chrX:70,302,053, A>C. VCF-style: chrX-70302053-A-C. GRCh37 (hg19) VCF-style: chrX-69521903-A-C.
Other names: short protein forms K224Q.
Identifiers: ClinVar variation 2532246 (VCV002532246.7), dbSNP rs764648571, ClinGen allele CA10441010.

ClinVar aggregate classification (germline): Conflicting classifications of pathogenicity. Review status: criteria provided, conflicting classifications (1 of 4 stars). 2 submissions from 2 submitters: Uncertain significance (1); Likely benign (1). Last evaluated 2025-12-01.

Allele frequency attached by ClinVar (database versions not stated): ExAC 0.00002; TOPMed 0.00003; gnomAD 0.00004; gnomAD exomes 0.00004.
gnomAD v4.1: 51 of 1,209,421 alleles (0.0042%); highest among the groups gnomAD compares: Non-Finnish European, 0.0057%; no homozygotes.

Submissions (2):

CeGaT Center for Human Genetics Tuebingen
Classification: Likely benign. Last evaluated: 2025-12-01. Review status: criteria provided, single submitter. Criteria: CeGaT Center For Human Genetics Tuebingen Variant Classification Criteria Version 2. Collection method: clinical testing. Allele origin: germline. Affected: yes. Observed: 1 variant allele.
Comment: KIF4A: PP2, BP4, BS2

Ambry Genetics
Classification: Uncertain significance. Last evaluated: 2023-04-03. Review status: criteria provided, single submitter. Criteria: Ambry Variant Classification Scheme 2023. Collection method: clinical testing. Allele origin: germline.